The following is an entry in ClinVar:

ClinVar aggregate classification (germline): Pathogenic (1 of 4 stars; one submission).

Conditions:
Holocarboxylase synthetase deficiency. Also called: MULTIPLE CARBOXYLASE DEFICIENCY, EARLY ONSET. Identifiers: Orphanet 79242, MedGen C0268581, MONDO:0009666, OMIM 253270.

Allele frequency attached by ClinVar (database versions not stated): gnomAD exomes below 0.00001.
gnomAD v4.1: 1 of 1,614,210 alleles (0.000062%); highest among the groups gnomAD compares: African/African-American, 0.0013%; no homozygotes.

Submission:

Labcorp Genetics (formerly Invitae), Labcorp
Classification: Pathogenic for Holocarboxylase synthetase deficiency. Last evaluated: 2023-12-29. Review status: criteria provided, single submitter. Criteria: Invitae Variant Classification Sherloc (09022015). Collection method: clinical testing. Allele origin: germline.
Comment: This sequence change creates a premature translational stop signal (p.Trp513*) in the HLCS gene. It is expected to result in an absent or disrupted protein product. Loss-of-function variants in HLCS are known to be pathogenic (PMID: 16134170). This variant is not present in population databases (gnomAD no frequency). This variant has not been reported in the literature in individuals affected with HLCS-related conditions. For these reasons, this variant has been classified as Pathogenic.

Literature cited by the submitters: PubMed 16134170.

NM_001352514.2(HLCS):c.1980G>A (p.Trp660Ter)

Gene: HLCS (holocarboxylase synthetase; minus strand). Cytogenetic location: 21q22.13.
Variant type: single nucleotide variant.
Coding change: c.1980G>A on transcript NM_001352514.2 (MANE Select); coding-DNA position 1980, G replaced by A.
Protein change: p.Trp660Ter; replaces tryptophan 660 with a stop codon.
Molecular consequence: nonsense. On other transcripts: non-coding transcript variant (2).
Genome position (GRCh38, 1-based): chr21:36,765,153, C>T on the plus strand (G>A on the coding strand, the complement: HLCS is on the minus strand). VCF-style: chr21-36765153-C-T. GRCh37 (hg19) VCF-style: chr21-38137454-C-T.
Other names: c.1539G>A, p.Trp513Ter (NM_000411.8, NM_001242784.3, NM_001242785.2 and 4 more transcripts); short protein forms W513*, W660*.
Identifiers: ClinVar variation 2971466 (VCV002971466.3), dbSNP rs2516872951, ClinGen allele CA409921170.
Genomic context (GRCh38, chr21:36,765,153, plus strand): 5'-CTGGGATCTCAGTGGAATGGAGATGAGCAGAGTAGAAAGAGCACATCCCACAGGGCTCAG[C>T]CACACATTCCCTCCCCGTCCTGGAACACAGGCCACAGTGGGAAACATGCTACCTTGCCAC-3'